The following is an entry in ClinVar:

ClinVar aggregate classification (germline): Likely benign. Review status: criteria provided, multiple submitters, no conflicts (2 of 4 stars). 6 submissions from 6 submitters: Likely benign (5). 1 of the submissions does not count toward it. Last evaluated 2026-01-25.

Conditions:
Inborn genetic diseases. Identifiers: MedGen C0950123, MeSH D030342.
Autosomal recessive limb-girdle muscular dystrophy type 2A (LGMDR1). Also called: Muscular dystrophy, limb-girdle, type 2A, Amish; LEYDEN-MOEBIUS MUSCULAR DYSTROPHY; MUSCULAR DYSTROPHY, PELVOFEMORAL; Limb-girdle muscular dystrophy, type 2A; Calpainopathy. Identifiers: Orphanet 267, MedGen C1869123, MONDO:0009675, OMIM 253600. Disease mechanism: loss of function.

Allele frequency attached by ClinVar (database versions not stated): gnomAD exomes 0.00010; ExAC 0.00012; ESP Exome Variant Server 0.00031; gnomAD 0.00034; TOPMed 0.00041; 1000 Genomes Project 0.00060; 1000 Genomes Project 30x 0.00078.
gnomAD v4.1: 130 of 1,614,192 alleles (0.0081%); highest among the groups gnomAD compares: African/African-American, 0.13%; no homozygotes.

Submissions (6):

Labcorp Genetics (formerly Invitae), Labcorp
Classification: Likely benign for Autosomal recessive limb-girdle muscular dystrophy type 2A. Last evaluated: 2026-01-25. Review status: criteria provided, single submitter. Criteria: Invitae Variant Classification Sherloc (09022015). Collection method: clinical testing. Allele origin: germline.

Ambry Genetics
Classification: Likely benign for Inborn genetic diseases. Last evaluated: 2024-04-29. Review status: criteria provided, single submitter. Criteria: Ambry Variant Classification Scheme 2023. Collection method: clinical testing. Allele origin: germline.

GeneDx
Classification: Likely benign. Last evaluated: 2020-12-08. Review status: criteria provided, single submitter. Criteria: GeneDx Variant Classification Process June 2021. Collection method: clinical testing. Allele origin: germline. Affected: yes.
Comment: This variant is associated with the following publications: (PMID: 16650086, 18055493)

Eurofins Ntd Llc (ga)
Classification: Likely benign. Last evaluated: 2015-11-23. Review status: criteria provided, single submitter. Criteria: EGL Classification Definitions 2015. Collection method: clinical testing. Allele origin: germline. Observed: 3 variant alleles, 2 heterozygotes, 1 homozygote.

PreventionGenetics, part of Exact Sciences
Classification: Likely benign. Review status: criteria provided, single submitter. Criteria: ACMG Guidelines, 2015. Collection method: clinical testing. Allele origin: germline.

Natera, Inc.
Classification: Uncertain significance for Limb-girdle muscular dystrophy type 2A. Last evaluated: 2020-04-17. Review status: no assertion criteria provided. Collection method: clinical testing. Allele origin: germline. Not counted in ClinVar's aggregate classification.

NM_000070.3(CAPN3):c.246G>A (p.Pro82=)

Gene: CAPN3 (calpain 3; plus strand). Cytogenetic location: 15q15.1.
Variant type: single nucleotide variant.
Coding change: c.246G>A on transcript NM_000070.3 (MANE Select); coding-DNA position 246, G replaced by A.
Protein change: p.Pro82=; no amino-acid change (proline 82 retained).
Molecular consequence: synonymous variant.
Genome position (GRCh38, 1-based): chr15:42,360,051, G>A. VCF-style: chr15-42360051-G-A. GRCh37 (hg19) VCF-style: chr15-42652249-G-A.
Other names: c.246G>A, p.Pro82= (NM_024344.2, NM_173087.2).
Identifiers: ClinVar variation 254870 (VCV000254870.19), dbSNP rs146529432, ClinGen allele CA7510877.